The following is an entry in ClinVar:

NM_020975.6(RET):c.958C>A (p.Pro320Thr)

Gene: RET (ret proto-oncogene; plus strand). Cytogenetic location: 10q11.21.
Variant type: single nucleotide variant.
Coding change: c.958C>A on transcript NM_020975.6 (MANE Select); coding-DNA position 958, C replaced by A.
Protein change: p.Pro320Thr; replaces proline 320 with threonine.
Molecular consequence: missense variant. On other transcripts: intron variant (25).
Genome position (GRCh38, 1-based): chr10:43,106,466, C>A. VCF-style: chr10-43106466-C-A. GRCh37 (hg19) VCF-style: chr10-43601914-C-A.
Other names: c.958C>A, p.Pro320Thr (NM_000323.2, NM_001406743.1, NM_001406744.1 and 6 more transcripts); c.196C>A, p.Pro66Thr (NM_001355216.2); c.829C>A, p.Pro277Thr (NM_001406761.1, NM_001406762.1, NM_001406764.1 and 1 more transcripts); c.670C>A, p.Pro224Thr (NM_001406766.1, NM_001406767.1, NM_001406770.1); c.867+1273C>A (NM_001406772.1, NM_001406769.1); c.626-2565C>A (NM_001406773.1, NM_001406771.1); c.625+3837C>A (NM_001406782.1, NM_001406780.1, NM_001406779.1 and 3 more transcripts); c.738+1273C>A (NM_001406774.1); and 5 more; short protein forms P224T, P320T, P66T, P277T.
Identifiers: ClinVar variation 2618941 (VCV002618941.2), dbSNP rs2538403940, ClinGen allele CA376546096.

ClinVar aggregate classification (germline): Uncertain significance (1 of 4 stars; one submission).

Conditions:
Hereditary cancer-predisposing syndrome. Also called: Tumor predisposition; Hereditary Cancer Syndrome; Hereditary neoplastic syndrome; Neoplastic Syndromes, Hereditary. Identifiers: Orphanet 140162, MedGen C0027672, MeSH D009386, MONDO:0015356.

Allele frequency attached by ClinVar (database versions not stated): gnomAD exomes below 0.00001.
gnomAD v4.1: 1 of 1,613,502 alleles (0.000062%); highest among the groups gnomAD compares: South Asian, 0.0011%; no homozygotes.

Submission:

Ambry Genetics
Classification: Uncertain significance for Hereditary cancer-predisposing syndrome. Last evaluated: 2023-08-24. Review status: criteria provided, single submitter. Criteria: Ambry Variant Classification Scheme 2023. Collection method: clinical testing. Allele origin: germline.
Comment: The p.P320T variant (also known as c.958C>A), located in coding exon 5 of the RET gene, results from a C to A substitution at nucleotide position 958. The proline at codon 320 is replaced by threonine, an amino acid with highly similar properties. This amino acid position is conserved. In addition, this alteration is predicted to be tolerated by in silico analysis. Since supporting evidence is limited at this time, the clinical significance of this alteration remains unclear.